The following is an entry in ClinVar:

NM_001005242.3(PKP2):c.-22C>G

Gene: PKP2 (plakophilin 2; minus strand). Cytogenetic location: 12p11.21.
Variant type: single nucleotide variant.
Coding change: c.-22C>G on transcript NM_001005242.3 (MANE Select); 22 bases upstream of the start codon, C replaced by G.
Molecular consequence: 5 prime UTR variant.
Genome position (GRCh38, 1-based): chr12:32,896,753, G>C on the plus strand (C>G on the coding strand, the complement: PKP2 is on the minus strand). VCF-style: chr12-32896753-G-C. GRCh37 (hg19) VCF-style: chr12-33049687-G-C.
Other names: c.-22C>G (NM_004572.4).
Identifiers: ClinVar variation 188651 (VCV000188651.8), dbSNP rs373925978, ClinGen allele CA011874.
Genomic context (GRCh38, chr12:32,896,753, plus strand): 5'-GATGTAGCCGTACTCAGCTGGGGCGCCGGGGGCTGCCATGGGGCCGGTGGGGGCGACCGA[G>C]CTGCTCGCCTGCCTCTGGACTCGCGGGCGAAGCCGCCACGGAGCTGGGGGCGCTGGCGCG-3'

ClinVar aggregate classification (germline): Benign. Review status: criteria provided, multiple submitters, no conflicts (2 of 4 stars). 3 submissions from 3 submitters: Benign (3). Last evaluated 2018-01-13.

Conditions:
Arrhythmogenic right ventricular dysplasia 9 (ARVD9). Also called: Arrhythmogenic Right Ventricular Dysplasia/Cardiomyopathy 9; ARRHYTHMOGENIC RIGHT VENTRICULAR DYSPLASIA, FAMILIAL, 9. Identifiers: MedGen C1836906, MONDO:0012180, OMIM 609040.

Allele frequency attached by ClinVar (database versions not stated): gnomAD 0.02747 and 0.02916; 1000 Genomes Project 30x 0.03326; 1000 Genomes Project 0.02995; TOPMed 0.03036; ExAC 0.00564; ESP Exome Variant Server 0.01987.
gnomAD v4.1: 6,849 of 1,295,808 alleles (0.53%); highest among the groups gnomAD compares: African/African-American, 9.3%; 312 homozygotes.

Submissions (3):

Illumina Laboratory Services, Illumina
Classification: Benign for Arrhythmogenic right ventricular dysplasia 9. Last evaluated: 2018-01-13. Review status: criteria provided, single submitter. Criteria: ICSL Variant Classification Criteria 13 December 2019. Collection method: clinical testing. Allele origin: germline.
Comment: This variant was observed in the ICSL laboratory as part of a predisposition screen in an ostensibly healthy population. It had not been previously curated by ICSL or reported in the Human Gene Mutation Database (HGMD: prior to June 1st, 2018), and was therefore a candidate for classification through an automated scoring system. Utilizing variant allele frequency, disease prevalence and penetrance estimates, and inheritance mode, an automated score was calculated to assess if this variant is too frequent to cause the disease. Based on the score and internal cut-off values, a variant classified as benign is not then subjected to further curation. The score for this variant resulted in a classification of benign for this disease.

GeneDx
Classification: Benign. Last evaluated: 2015-03-03. Review status: criteria provided, single submitter. Criteria: GeneDx Variant Classification Process June 2021. Collection method: clinical testing. Allele origin: germline. Affected: yes.

Breakthrough Genomics
Classification: Benign. Review status: criteria provided, single submitter. Criteria: ACMG Guidelines, 2015. Collection method: not provided. Allele origin: germline. Inheritance: Autosomal dominant inheritance. Affected: yes.